The following is an entry in ClinVar:

NM_018972.4(GDAP1):c.58G>A (p.Ala20Thr)

Genes: GDAP1 (ganglioside induced differentiation associated protein 1; plus strand), LOC130000622 (ATAC-STARR-seq lymphoblastoid active region 27542; plus strand). Cytogenetic location: 8q21.11.
Variant type: single nucleotide variant.
Coding change: c.58G>A on transcript NM_018972.4 (MANE Select); coding-DNA position 58, G replaced by A.
Protein change: p.Ala20Thr; replaces alanine 20 with threonine.
Molecular consequence: missense variant. On other transcripts: 5 prime UTR variant (2), intron variant (1).
Genome position (GRCh38, 1-based): chr8:74,350,519, G>A. VCF-style: chr8-74350519-G-A. GRCh37 (hg19) VCF-style: chr8-75262754-G-A.
Other names: c.-125G>A (NM_001362929.2); c.58G>A, p.Ala20Thr (NM_001362930.2, NM_001362931.2); c.-77G>A (NM_001362932.2); c.-64+47G>A (NM_001040875.4); short protein forms A20T.
Identifiers: ClinVar variation 855964 (VCV000855964.13), dbSNP rs375536495, ClinGen allele CA4785006.

ClinVar aggregate classification (germline): Uncertain significance. Review status: criteria provided, multiple submitters, no conflicts (2 of 4 stars). 3 submissions from 3 submitters: Uncertain significance (3). Last evaluated 2025-12-18.

Conditions:
Inborn genetic diseases. Identifiers: MedGen C0950123, MeSH D030342.
Charcot-Marie-Tooth disease type 4A. Also called: Charcot-Marie-Tooth disease, demyelinating, autosomal recessive, type 4a. Identifiers: Orphanet 99948, MedGen C1859198, MONDO:0008961, OMIM 214400.

Allele frequency attached by ClinVar (database versions not stated): ExAC 0.00002; TOPMed 0.00010; ESP Exome Variant Server 0.00015; gnomAD exomes 0.00002 and 0.00001; gnomAD 0.00009.
gnomAD v4.1: 22 of 1,613,790 alleles (0.0014%); highest among the groups gnomAD compares: African/African-American, 0.028%; no homozygotes.

Submissions (3):

Labcorp Genetics (formerly Invitae), Labcorp
Classification: Uncertain significance for Charcot-Marie-Tooth disease type 4A. Last evaluated: 2025-12-18. Review status: criteria provided, single submitter. Criteria: Invitae Variant Classification Sherloc (09022015). Collection method: clinical testing. Allele origin: germline.
Comment: This sequence change replaces alanine, which is neutral and non-polar, with threonine, which is neutral and polar, at codon 20 of the GDAP1 protein (p.Ala20Thr). This variant is present in population databases (rs375536495, gnomAD 0.02%). This variant has not been reported in the literature in individuals affected with GDAP1-related conditions. ClinVar contains an entry for this variant (Variation ID: 855964). Invitae Evidence Modeling of protein sequence and biophysical properties (such as structural, functional, and spatial information, amino acid conservation, physicochemical variation, residue mobility, and thermodynamic stability) indicates that this missense variant is not expected to disrupt GDAP1 protein function with a negative predictive value of 95%. In summary, the available evidence is currently insufficient to determine the role of this variant in disease. Therefore, it has been classified as a Variant of Uncertain Significance.

Dasa
Classification: Uncertain significance. Last evaluated: 2025-01-21. Review status: criteria provided, single submitter. Criteria: DASA Assertion Criteria. Collection method: clinical testing. Allele origin: germline.
Comment: NM_018972.4(GDAP1):c.58G>A (p.Ala20Thr) is a missense variant that results in the substitution of alanine with threonine. This variant is rare in population databases. The currently available literature and clinical evidence are not sufficient to establish a definitive association between this variant and the reported condition. Therefore, this variant is classified as a variant of uncertain significance.

Ambry Genetics
Classification: Uncertain significance for Inborn genetic diseases. Last evaluated: 2022-07-08. Review status: criteria provided, single submitter. Criteria: Ambry Variant Classification Scheme 2023. Collection method: clinical testing. Allele origin: germline.